The following is an entry in ClinVar:

NM_000092.5(COL4A4):c.2668C>G (p.Pro890Ala)

Gene: COL4A4 (collagen type IV alpha 4 chain; minus strand). Cytogenetic location: 2q36.3.
Variant type: single nucleotide variant.
Coding change: c.2668C>G on transcript NM_000092.5 (MANE Select); coding-DNA position 2668, C replaced by G.
Protein change: p.Pro890Ala; replaces proline 890 with alanine.
Molecular consequence: missense variant.
Genome position (GRCh38, 1-based): chr2:227,055,993, G>C on the plus strand (C>G on the coding strand, the complement: COL4A4 is on the minus strand). VCF-style: chr2-227055993-G-C. GRCh37 (hg19) VCF-style: chr2-227920709-G-C.
Other names: short protein forms P890A.
Identifiers: ClinVar variation 2158936 (VCV002158936.7), dbSNP rs762460101, ClinGen allele CA2144746.

ClinVar aggregate classification (germline): Conflicting classifications of pathogenicity. Review status: criteria provided, conflicting classifications (1 of 4 stars). 4 submissions from 4 submitters: Uncertain significance (3); Likely benign (1). Last evaluated 2024-06-17.

Conditions:
Autosomal recessive Alport syndrome (ATS2). Also called: COL4A4 Alport Syndrome and Thin Basement Membrane Nephropathy; COL4A3-Related Nephropathy; Alport syndrome type 2; ALPORT SYNDROME 2, AUTOSOMAL RECESSIVE. Identifiers: Orphanet 63, Orphanet 88919, MedGen C4746745, MONDO:0008762, OMIM 203780.
Hematuria, benign familial, 1 (BFH1). Also called: THIN MEMBRANE NEPHROPATHY. Identifiers: MedGen CN376803, MONDO:0007709, OMIM 141200.
Inborn genetic diseases. Identifiers: MedGen C0950123, MeSH D030342.

gnomAD v4.1: 16 of 1,613,918 alleles (0.00099%); highest among the groups gnomAD compares: African/African-American, 0.021%; no homozygotes.

Submissions (4):

Labcorp Genetics (formerly Invitae), Labcorp
Classification: Likely benign. Last evaluated: 2024-06-17. Review status: criteria provided, single submitter. Criteria: Invitae Variant Classification Sherloc (09022015). Collection method: clinical testing. Allele origin: germline.

GeneDx
Classification: Uncertain significance. Last evaluated: 2024-05-20. Review status: criteria provided, single submitter. Criteria: GeneDx Variant Classification Process June 2021. Collection method: clinical testing. Allele origin: germline. Affected: yes.
Comment: In silico analysis supports that this missense variant has a deleterious effect on protein structure/function; Has not been previously published as pathogenic or benign to our knowledge; Occurs in the triple helical domain at the Y position in the canonical Gly-X-Y repeat; although this variant may have an effect on normal protein folding and function, missense substitution at the Y position is not a common mechanism of disease

Fulgent Genetics
Classification: Uncertain significance for Hematuria, benign familial, 1; Autosomal recessive Alport syndrome. Last evaluated: 2024-02-08. Review status: criteria provided, single submitter. Criteria: ACMG Guidelines, 2015. Collection method: clinical testing. Allele origin: germline.

Ambry Genetics
Classification: Uncertain significance for Inborn genetic diseases. Last evaluated: 2021-09-27. Review status: criteria provided, single submitter. Criteria: Ambry Variant Classification Scheme 2023. Collection method: clinical testing. Allele origin: germline.